The following is an entry in ClinVar:

ClinVar aggregate classification (germline): Pathogenic (1 of 4 stars; one submission).

Submission:

GeneDx
Classification: Pathogenic. Last evaluated: 2021-07-30. Review status: criteria provided, single submitter. Criteria: GeneDx Variant Classification Process June 2021. Collection method: clinical testing. Allele origin: germline. Affected: yes.
Comment: Frameshift variant predicted to result in protein truncation or nonsense mediated decay in a gene for which loss-of-function is a known mechanism of disease; Not observed at significant frequency in large population cohorts (Lek et al., 2016); Has not been previously published as pathogenic or benign to our knowledge

NM_001374828.1(ARID1B):c.1578del (p.Ser527fs)

Gene: ARID1B (AT-rich interaction domain 1B; plus strand). Cytogenetic location: 6q25.3.
Variant type: Deletion.
Coding change: c.1578del on transcript NM_001374828.1 (MANE Select); coding-DNA position 1578, one base deleted (C; older notation c.1578delC).
Protein change: p.Ser527fs; shifts the reading frame from serine 527.
Molecular consequence: frameshift variant.
Genome position (GRCh38, 1-based): chr6:156,779,258, C deleted; the last of 4 consecutive C bases (chr6:156,779,255-156,779,258); deleting any one gives the same sequence. VCF-style (leftmost placement, unchanged base first): chr6-156779254-GC-G. GRCh37 (hg19) VCF-style: chr6-157100388-GC-G.
Other names: c.1329delC (NM_020732.3); c.1329del (NM_020732.3); c.1578del, p.Ser527fs (NM_001371656.1, NM_001374820.1, NM_017519.3); short protein forms S527fs.
Identifiers: ClinVar variation 817920 (VCV000817920.2), dbSNP rs1583026884, ClinGen allele CA915944777.